The following is an entry in ClinVar:

NM_015046.7(SETX):c.7972A>G (p.Arg2658Gly)

Gene: SETX (senataxin; minus strand). Cytogenetic location: 9q34.13.
Variant type: single nucleotide variant.
Coding change: c.7972A>G on transcript NM_015046.7 (MANE Select); coding-DNA position 7972, A replaced by G.
Protein change: p.Arg2658Gly; replaces arginine 2658 with glycine.
Molecular consequence: missense variant.
Genome position (GRCh38, 1-based): chr9:132,264,301, T>C on the plus strand (A>G on the coding strand, the complement: SETX is on the minus strand). VCF-style: chr9-132264301-T-C. GRCh37 (hg19) VCF-style: chr9-135139688-T-C.
Other names: c.7972A>G, p.Arg2658Gly (NM_001351527.2); c.8059A>G, p.Arg2687Gly (NM_001351528.2); short protein forms R2687G, R2658G.
Identifiers: ClinVar variation 968387 (VCV000968387.15), dbSNP rs779793402, ClinGen allele CA5296281.

ClinVar aggregate classification (germline): Conflicting classifications of pathogenicity. Review status: criteria provided, conflicting classifications (1 of 4 stars). 3 submissions from 3 submitters: Uncertain significance (2); Benign (1). Last evaluated 2025-12-12.

Conditions:
SETX-related disorder. Also called: SETX-related disorders; SETX-related condition. Identifiers: MedGen CN239403.
Spinocerebellar ataxia, autosomal recessive, with axonal neuropathy 2 (SCAN2). Also called: Ataxia with Oculomotor Apraxia Type 2; Ataxia with Oculomotor Apraxia; ATAXIA-OCULOMOTOR APRAXIA 2; Ataxia-ocular apraxia-2. Identifiers: Orphanet 64753, MedGen C1853761, MONDO:0018996, OMIM 606002.
Amyotrophic lateral sclerosis type 4 (ALS4). Also called: NEURONOPATHY, DISTAL HEREDITARY MOTOR, WITH PYRAMIDAL FEATURES; AMYOTROPHIC LATERAL SCLEROSIS 4, JUVENILE. Identifiers: Orphanet 357043, MedGen C1865409, MONDO:0011223, OMIM 602433.

Allele frequency attached by ClinVar (database versions not stated): gnomAD 0.00001; ExAC 0.00002; gnomAD exomes 0.00002 and 0.00004; TOPMed 0.00002.
gnomAD v4.1: 31 of 1,614,080 alleles (0.0019%); highest among the groups gnomAD compares: Middle Eastern, 0.016%; no homozygotes.

Submissions (3):

PreventionGenetics, part of Exact Sciences
Classification: Uncertain significance for SETX-related condition. Last evaluated: 2025-12-12. Review status: criteria provided, single submitter. Criteria: ACMG Guidelines, 2015. Collection method: clinical testing. Allele origin: germline.
Comment: The SETX c.7972A>G variant is predicted to result in the amino acid substitution p.Arg2658Gly. This variant has been reported in an individual with amyotrophic lateral sclerosis (ALS; Supplemental Table 5, Ruf et al. 2023. PubMed ID: 37223130). This variant is reported in 0.0079% of alleles in individuals of European (non-Finnish) descent in gnomAD. At this time, the clinical significance of this variant is uncertain due to the absence of conclusive functional and genetic evidence.

Mayo Clinic Laboratories, Mayo Clinic
Classification: Uncertain significance. Last evaluated: 2025-10-28. Review status: criteria provided, single submitter. Criteria: ACMG Guidelines, 2015. Collection method: clinical testing. Allele origin: germline. Observed: 2 variant alleles.
Comment: BP4_moderate

Labcorp Genetics (formerly Invitae), Labcorp
Classification: Benign for Amyotrophic lateral sclerosis type 4; Spinocerebellar ataxia, autosomal recessive, with axonal neuropathy 2. Last evaluated: 2025-08-12. Review status: criteria provided, single submitter. Criteria: Invitae Variant Classification Sherloc (09022015). Collection method: clinical testing. Allele origin: germline.